The following is an entry in ClinVar:

ClinVar aggregate classification (germline): Benign/Likely benign. Review status: criteria provided, multiple submitters, no conflicts (2 of 4 stars). 3 submissions from 3 submitters: Benign (2); Likely benign (1). Last evaluated 2026-01-28.

Conditions:
FG syndrome (FGS). Identifiers: MedGen C0220769, MONDO:0002010.

Allele frequency attached by ClinVar (database versions not stated): TOPMed 0.00011; gnomAD 0.00013 and 0.00015; gnomAD exomes 0.00015 and 0.00031; ExAC 0.00017; ESP Exome Variant Server 0.00031.
gnomAD v4.1: 191 of 1,210,131 alleles (0.016%); highest among the groups gnomAD compares: Middle Eastern, 0.11%; no homozygotes.

Submissions (3):

Labcorp Genetics (formerly Invitae), Labcorp
Classification: Benign for FG syndrome. Last evaluated: 2026-01-28. Review status: criteria provided, single submitter. Criteria: Invitae Variant Classification Sherloc (09022015). Collection method: clinical testing. Allele origin: germline.

Blueprint Genetics
Classification: Likely benign. Last evaluated: 2023-10-18. Review status: criteria provided, single submitter. Criteria: ACMG Guidelines, 2015. Collection method: clinical testing. Allele origin: germline.

GeneDx
Classification: Benign. Last evaluated: 2014-07-31. Review status: criteria provided, single submitter. Criteria: GeneDx Variant Classification (06012015). Collection method: clinical testing. Allele origin: germline. Affected: yes.
Comment: This variant is considered likely benign or benign based on one or more of the following criteria: it is a conservative change, it occurs at a poorly conserved position in the protein, it is predicted to be benign by multiple in silico algorithms, and/or has population frequency not consistent with disease.

NM_005120.3(MED12):c.1101+18C>T

Gene: MED12 (mediator complex subunit 12; plus strand). Cytogenetic location: Xq13.1.
Variant type: single nucleotide variant.
Coding change: c.1101+18C>T on transcript NM_005120.3 (MANE Select); 18 bases into the intron after coding-DNA position 1101, C replaced by T.
Molecular consequence: intron variant.
Genome position (GRCh38, 1-based): chrX:71,121,834, C>T. VCF-style: chrX-71121834-C-T. GRCh37 (hg19) VCF-style: chrX-70341684-C-T.
Identifiers: ClinVar variation 213620 (VCV000213620.13), dbSNP rs200510424, ClinGen allele CA325369.